The following is an entry in ClinVar:

NM_001376.5(DYNC1H1):c.13557G>A (p.Ala4519=)

Gene: DYNC1H1 (dynein cytoplasmic 1 heavy chain 1; plus strand). Cytogenetic location: 14q32.31.
Variant type: single nucleotide variant.
Coding change: c.13557G>A on transcript NM_001376.5 (MANE Select); coding-DNA position 13557, G replaced by A.
Protein change: p.Ala4519=; no amino-acid change (alanine 4519 retained).
Molecular consequence: synonymous variant.
Genome position (GRCh38, 1-based): chr14:102,049,755, G>A. VCF-style: chr14-102049755-G-A. GRCh37 (hg19) VCF-style: chr14-102516092-G-A.
Other names: p.Ala4519=.
Identifiers: ClinVar variation 281266 (VCV000281266.23), dbSNP rs35546990, ClinGen allele CA7354288.

ClinVar aggregate classification (germline): Conflicting classifications of pathogenicity. Review status: criteria provided, conflicting classifications (1 of 4 stars). 7 submissions from 7 submitters: Uncertain significance (1); Benign (1); Likely benign (4). 1 of the submissions does not count toward it. Last evaluated 2026-01-05.

Conditions:
DYNC1H1-related disorder. Also called: DYNC1H1-related condition; DYNC1H1-related disorders. Identifiers: MedGen CN381529.
Inborn genetic diseases. Identifiers: MedGen C0950123, MeSH D030342.
Charcot-Marie-Tooth disease axonal type 2O. Also called: Charcot-Marie-Tooth disease, axonal, type 20; CHARCOT-MARIE-TOOTH NEUROPATHY, AXONAL, TYPE 2O; CHARCOT-MARIE-TOOTH DISEASE, AXONAL, AUTOSOMAL DOMINANT, TYPE 2O; Charcot-Marie-Tooth Neuropathy Type 2O. Identifiers: Orphanet 284232, MedGen C3280220, MONDO:0013644, OMIM 614228.

Allele frequency attached by ClinVar (database versions not stated): ExAC 0.00009; gnomAD exomes 0.00010; ESP Exome Variant Server 0.00031; 1000 Genomes Project 30x 0.00047; TOPMed 0.00057; 1000 Genomes Project 0.00060.
gnomAD v4.1: 157 of 1,613,858 alleles (0.0097%); highest among the groups gnomAD compares: African/African-American, 0.12%; no homozygotes.

Submissions (7):

Labcorp Genetics (formerly Invitae), Labcorp
Classification: Likely benign for Charcot-Marie-Tooth disease axonal type 2O. Last evaluated: 2026-01-05. Review status: criteria provided, single submitter. Criteria: Invitae Variant Classification Sherloc (09022015). Collection method: clinical testing. Allele origin: germline.

Mayo Clinic Laboratories, Mayo Clinic
Classification: Likely benign. Last evaluated: 2025-10-07. Review status: criteria provided, single submitter. Criteria: ACMG Guidelines, 2015. Collection method: clinical testing. Allele origin: germline. Observed: 3 variant alleles.
Comment: BS1, BP4, BP7

Blueprint Genetics
Classification: Likely benign. Last evaluated: 2024-07-10. Review status: criteria provided, single submitter. Criteria: ACMG Guidelines, 2015. Collection method: clinical testing. Allele origin: germline.

GeneDx
Classification: Benign. Last evaluated: 2020-03-25. Review status: criteria provided, single submitter. Criteria: GeneDx Variant Classification Process June 2021. Collection method: clinical testing. Allele origin: germline. Affected: yes.

Ambry Genetics
Classification: Likely benign for Inborn genetic diseases. Last evaluated: 2017-09-22. Review status: criteria provided, single submitter. Criteria: Ambry Variant Classification Scheme 2023. Collection method: clinical testing. Allele origin: germline.

Eurofins Ntd Llc (ga)
Classification: Uncertain significance. Last evaluated: 2015-06-12. Review status: criteria provided, single submitter. Criteria: EGL Classification Definitions 2015. Collection method: clinical testing. Allele origin: germline. Observed: 1 variant allele, 1 heterozygote.

PreventionGenetics, part of Exact Sciences
Classification: Likely benign for DYNC1H1-related condition. Last evaluated: 2022-08-03. Review status: no assertion criteria provided. Collection method: clinical testing. Allele origin: germline. Not counted in ClinVar's aggregate classification.
Comment: This variant is classified as likely benign based on ACMG/AMP sequence variant interpretation guidelines (Richards et al. 2015 PMID: 25741868, with internal and published modifications).